The following is an entry in ClinVar:

ClinVar aggregate classification (germline): Uncertain significance (1 of 4 stars; one submission).

Allele frequency attached by ClinVar (database versions not stated): gnomAD exomes 0.00002.
gnomAD v4.1: 19 of 1,614,156 alleles (0.0012%); highest among the groups gnomAD compares: Non-Finnish European, 0.0016%; no homozygotes.

Submission:

Labcorp Genetics (formerly Invitae), Labcorp
Classification: Uncertain significance. Last evaluated: 2022-08-15. Review status: criteria provided, single submitter. Criteria: Invitae Variant Classification Sherloc (09022015). Collection method: clinical testing. Allele origin: germline.
Comment: This sequence change replaces glycine, which is neutral and non-polar, with valine, which is neutral and non-polar, at codon 84 of the PCARE protein (p.Gly84Val). This variant is not present in population databases (gnomAD no frequency). This variant has not been reported in the literature in individuals affected with PCARE-related conditions. ClinVar contains an entry for this variant (Variation ID: 1412861). Algorithms developed to predict the effect of missense changes on protein structure and function are either unavailable or do not agree on the potential impact of this missense change (SIFT: "Deleterious"; PolyPhen-2: "Possibly Damaging"; Align-GVGD: "Class C0"). In summary, the available evidence is currently insufficient to determine the role of this variant in disease. Therefore, it has been classified as a Variant of Uncertain Significance.

NM_001029883.3(PCARE):c.251G>T (p.Gly84Val)

Gene: PCARE (photoreceptor cilium actin regulator; minus strand). Cytogenetic location: 2p23.2.
Variant type: single nucleotide variant.
Coding change: c.251G>T on transcript NM_001029883.3 (MANE Select); coding-DNA position 251, G replaced by T.
Protein change: p.Gly84Val; replaces glycine 84 with valine.
Molecular consequence: missense variant.
Genome position (GRCh38, 1-based): chr2:29,074,011, C>A on the plus strand (G>T on the coding strand, the complement: PCARE is on the minus strand). VCF-style: chr2-29074011-C-A. GRCh37 (hg19) VCF-style: chr2-29296877-C-A.
Other names: short protein forms G84V.
Identifiers: ClinVar variation 1412861 (VCV001412861.6), dbSNP rs1667544896, ClinGen allele CA346482717.